The following is an entry in ClinVar:

NM_006218.4(PIK3CA):c.2539C>G (p.Leu847Val)

Gene: PIK3CA (phosphatidylinositol-4,5-bisphosphate 3-kinase catalytic subunit alpha; plus strand). Cytogenetic location: 3q26.32.
Variant type: single nucleotide variant.
Coding change: c.2539C>G on transcript NM_006218.4 (MANE Select); coding-DNA position 2539, C replaced by G.
Protein change: p.Leu847Val; replaces leucine 847 with valine.
Molecular consequence: missense variant.
Genome position (GRCh38, 1-based): chr3:179,229,315, C>G. VCF-style: chr3-179229315-C-G. GRCh37 (hg19) VCF-style: chr3-178947103-C-G.
Other names: short protein forms L847V.
Identifiers: ClinVar variation 1792789 (VCV001792789.2), dbSNP rs1195745994, ClinGen allele CA355277504.

ClinVar aggregate classification (germline): Uncertain significance (1 of 4 stars; one submission).

Conditions:
Inborn genetic diseases. Identifiers: MedGen C0950123, MeSH D030342.

Submission:

Ambry Genetics
Classification: Uncertain significance for Inborn genetic diseases. Last evaluated: 2021-12-29. Review status: criteria provided, single submitter. Criteria: Ambry Variant Classification Scheme 2023. Collection method: clinical testing. Allele origin: germline.
Comment: The p.L847V variant (also known as c.2539C>G), located in coding exon 17 of the PIK3CA gene, results from a C to G substitution at nucleotide position 2539. The leucine at codon 847 is replaced by valine, an amino acid with highly similar properties. This amino acid position is conserved. In addition, the in silico prediction for this alteration is inconclusive. Since supporting evidence is limited at this time, the clinical significance of this alteration remains unclear.